The following is an entry in ClinVar:

NM_002067.5(GNA11):c.1012C>T (p.Arg338Cys)

Gene: GNA11 (G protein subunit alpha 11; plus strand). Cytogenetic location: 19p13.3.
Variant type: single nucleotide variant.
Coding change: c.1012C>T on transcript NM_002067.5 (MANE Select); coding-DNA position 1012, C replaced by T.
Protein change: p.Arg338Cys; replaces arginine 338 with cysteine.
Molecular consequence: missense variant.
Genome position (GRCh38, 1-based): chr19:3,121,111, C>T. VCF-style: chr19-3121111-C-T. GRCh37 (hg19) VCF-style: chr19-3121109-C-T.
Other names: short protein forms R338C.
Identifiers: ClinVar variation 5002167 (VCV005002167.1).
Genomic context (GRCh38, chr19:3,121,111, plus strand): 5'-CCCGACAGCGACAAGATCATCTACTCACACTTCACGTGTGCCACCGACACGGAGAACATC[C>T]GCTTCGTGTTCGCGGCCGTGAAGGACACCATCCTGCAGCTCAACCTCAAGGAGTACAACC-3'
Protein context (NP_002058.2, residues 328-348): FTCATDTENI[Arg338Cys]FVFAAVKDTI

ClinVar aggregate classification (germline): Uncertain significance (1 of 4 stars; one submission).

Conditions:
GNA11-related disorder. Also called: GNA11-related condition.

gnomAD v4.1: 6 of 1,613,786 alleles (0.00037%); highest among the groups gnomAD compares: Non-Finnish European, 0.00042%; no homozygotes.

Submission:

PreventionGenetics, part of Exact Sciences
Classification: Uncertain significance for GNA11-related condition. Last evaluated: 2025-01-07. Review status: criteria provided, single submitter. Criteria: ACMG Guidelines, 2015. Collection method: clinical testing. Allele origin: germline.
Comment: The GNA11 c.1012C>T variant is predicted to result in the amino acid substitution p.Arg338Cys. To our knowledge, this variant has not been reported in the literature. This variant is reported in 0.0018% of alleles in individuals of European (non-Finnish) descent in gnomAD. At this time, the clinical significance of this variant is uncertain due to the absence of conclusive functional and genetic evidence.